The following is an entry in ClinVar:

NM_178452.6(DNAAF1):c.332C>A (p.Thr111Lys)

Gene: DNAAF1 (dynein axonemal assembly factor 1; plus strand). Cytogenetic location: 16q24.1.
Variant type: single nucleotide variant.
Coding change: c.332C>A on transcript NM_178452.6 (MANE Select); coding-DNA position 332, C replaced by A.
Protein change: p.Thr111Lys; replaces threonine 111 with lysine.
Molecular consequence: missense variant.
Genome position (GRCh38, 1-based): chr16:84,150,322, C>A. VCF-style: chr16-84150322-C-A. GRCh37 (hg19) VCF-style: chr16-84183927-C-A.
Other names: short protein forms T111K.
Identifiers: ClinVar variation 641500 (VCV000641500.8), dbSNP rs375812500, ClinGen allele CA8202447.

ClinVar aggregate classification (germline): Uncertain significance. Review status: criteria provided, multiple submitters, no conflicts (2 of 4 stars). 2 submissions from 2 submitters: Uncertain significance (2). Last evaluated 2024-10-29.

Conditions:
Primary ciliary dyskinesia. Also called: Ciliary dyskinesia. Identifiers: Orphanet 244, MedGen C0008780, MONDO:0016575, HP:0012265.

gnomAD v4.1: 22 of 1,612,870 alleles (0.0014%); highest among the groups gnomAD compares: Middle Eastern, 0.017%; no homozygotes.

Submissions (2):

Labcorp Genetics (formerly Invitae), Labcorp
Classification: Uncertain significance for Primary ciliary dyskinesia. Last evaluated: 2024-10-29. Review status: criteria provided, single submitter. Criteria: Invitae Variant Classification Sherloc (09022015). Collection method: clinical testing. Allele origin: germline.
Comment: This sequence change replaces threonine, which is neutral and polar, with lysine, which is basic and polar, at codon 111 of the DNAAF1 protein (p.Thr111Lys). This variant is present in population databases (rs375812500, gnomAD 0.01%). This variant has not been reported in the literature in individuals affected with DNAAF1-related conditions. ClinVar contains an entry for this variant (Variation ID: 641500). An algorithm developed to predict the effect of missense changes on protein structure and function (PolyPhen-2) suggests that this variant is likely to be tolerated. In summary, the available evidence is currently insufficient to determine the role of this variant in disease. Therefore, it has been classified as a Variant of Uncertain Significance.

Ambry Genetics
Classification: Uncertain significance for Primary ciliary dyskinesia. Last evaluated: 2022-01-03. Review status: criteria provided, single submitter. Criteria: Ambry Variant Classification Scheme 2023. Collection method: clinical testing. Allele origin: germline.